The following is an entry in ClinVar:

ClinVar aggregate classification (germline): Uncertain significance. Review status: criteria provided, multiple submitters, no conflicts (2 of 4 stars). 2 submissions from 2 submitters: Uncertain significance (2). Last evaluated 2024-09-11.

Conditions:
Dyskeratosis congenita, autosomal dominant 6 (DKCA6). Identifiers: Orphanet 3322, MedGen C4225284, MONDO:0014690, OMIM 616553.
Inborn genetic diseases. Identifiers: MedGen C0950123, MeSH D030342.

Submissions (2):

Labcorp Genetics (formerly Invitae), Labcorp
Classification: Uncertain significance for Dyskeratosis congenita, autosomal dominant 6. Last evaluated: 2024-09-11. Review status: criteria provided, single submitter. Criteria: Invitae Variant Classification Sherloc (09022015). Collection method: clinical testing. Allele origin: germline.
Comment: This sequence change replaces valine, which is neutral and non-polar, with isoleucine, which is neutral and non-polar, at codon 45 of the ACD protein (p.Val45Ile). This variant is not present in population databases (gnomAD no frequency). This variant has not been reported in the literature in individuals affected with ACD-related conditions. An algorithm developed to predict the effect of missense changes on protein structure and function (PolyPhen-2) suggests that this variant is likely to be tolerated. In summary, the available evidence is currently insufficient to determine the role of this variant in disease. Therefore, it has been classified as a Variant of Uncertain Significance.

Ambry Genetics
Classification: Uncertain significance for Inborn genetic diseases. Last evaluated: 2023-11-17. Review status: criteria provided, single submitter. Criteria: Ambry Variant Classification Scheme 2023. Collection method: clinical testing. Allele origin: germline.
Comment: The p.V45I variant (also known as c.133G>A), located in coding exon 1 of the ACD gene, results from a G to A substitution at nucleotide position 133. The valine at codon 45 is replaced by isoleucine, an amino acid with highly similar properties. This amino acid position is conserved. In addition, this alteration is predicted to be tolerated by in silico analysis. Since supporting evidence is limited at this time, the clinical significance of this alteration remains unclear.

NC_000016.10:g.67660346C>T

Genes: ACD (ACD shelterin complex subunit and telomerase recruitment factor; minus strand), LOC130059224 (ATAC-STARR-seq lymphoblastoid silent region 7617; plus strand). Cytogenetic location: 16q22.1.
Variant type: single nucleotide variant.
Genome position: GRCh38 VCF-style: chr16-67660346-C-T. GRCh37 (hg19) VCF-style: chr16-67694249-C-T.
Other names: short protein forms V45I.
Identifiers: ClinVar variation 2886711 (VCV002886711.4), dbSNP rs944733130, ClinGen allele CA396359648.